The following is an entry in ClinVar:

ClinVar aggregate classification (germline): Pathogenic (1 of 4 stars; one submission).

Submission:

Labcorp Genetics (formerly Invitae), Labcorp
Classification: Pathogenic. Last evaluated: 2021-12-24. Review status: criteria provided, single submitter. Criteria: Invitae Variant Classification Sherloc (09022015). Collection method: clinical testing. Allele origin: germline.
Comment: This sequence change creates a premature translational stop signal (p.Leu959*) in the KIF11 gene. It is expected to result in an absent or disrupted protein product. Loss-of-function variants in KIF11 are known to be pathogenic (PMID: 22284827, 24281367). This variant is not present in population databases (gnomAD no frequency). This variant has not been reported in the literature in individuals affected with KIF11-related conditions. For these reasons, this variant has been classified as Pathogenic.

Literature cited by the submitters: PubMed 22284827; PubMed 24281367.

NM_004523.4(KIF11):c.2876T>A (p.Leu959Ter)

Gene: KIF11 (kinesin family member 11; plus strand). Cytogenetic location: 10q23.33.
Variant type: single nucleotide variant.
Coding change: c.2876T>A on transcript NM_004523.4 (MANE Select); coding-DNA position 2876, T replaced by A.
Protein change: p.Leu959Ter; replaces leucine 959 with a stop codon.
Molecular consequence: nonsense.
Genome position (GRCh38, 1-based): chr10:92,649,940, T>A. VCF-style: chr10-92649940-T-A. GRCh37 (hg19) VCF-style: chr10-94409697-T-A.
Other names: short protein forms L959*.
Identifiers: ClinVar variation 2057404 (VCV002057404.4), dbSNP rs2492543302, ClinGen allele CA377806119.